The following is an entry in ClinVar:

ClinVar aggregate classification (germline): Likely benign. Review status: criteria provided, multiple submitters, no conflicts (2 of 4 stars). 3 submissions from 3 submitters: Likely benign (2). 1 of the submissions does not count toward it. Last evaluated 2024-10-21.

Conditions:
Leber congenital amaurosis 7 (LCA7). Identifiers: Orphanet 65, MedGen C3151192, MONDO:0013449, OMIM 613829.
Cone-rod dystrophy 2 (CORD2). Also called: CONE-ROD RETINAL DYSTROPHY; Cone-rod retinal dystrophy 2. Identifiers: Orphanet 1872, MedGen C3489532, MONDO:0007362, OMIM 120970.
CRX-related disorder. Also called: CRX-related condition.

Allele frequency attached by ClinVar (database versions not stated): gnomAD exomes 0.00002; ExAC 0.00003; gnomAD 0.00005; TOPMed 0.00006; ESP Exome Variant Server 0.00008.
gnomAD v4.1: 53 of 1,613,738 alleles (0.0033%); highest among the groups gnomAD compares: Middle Eastern, 0.016%; no homozygotes.

Submissions (3):

Labcorp Genetics (formerly Invitae), Labcorp
Classification: Likely benign for Cone-rod dystrophy 2; Leber congenital amaurosis 7. Last evaluated: 2024-10-21. Review status: criteria provided, single submitter. Criteria: Invitae Variant Classification Sherloc (09022015). Collection method: clinical testing. Allele origin: germline.

Blueprint Genetics
Classification: Likely benign. Last evaluated: 2020-10-30. Review status: criteria provided, single submitter. Criteria: ACMG Guidelines, 2015. Collection method: clinical testing. Allele origin: germline.

PreventionGenetics, part of Exact Sciences
Classification: Likely benign for CRX-related condition. Last evaluated: 2019-11-16. Review status: no assertion criteria provided. Collection method: clinical testing. Allele origin: germline. Not counted in ClinVar's aggregate classification.
Comment: This variant is classified as likely benign based on ACMG/AMP sequence variant interpretation guidelines (Richards et al. 2015 PMID: 25741868, with internal and published modifications).

NM_000554.6(CRX):c.369G>A (p.Thr123=)

Gene: CRX (cone-rod homeobox; plus strand). Cytogenetic location: 19q13.33.
Variant type: single nucleotide variant.
Coding change: c.369G>A on transcript NM_000554.6 (MANE Select); coding-DNA position 369, G replaced by A.
Protein change: p.Thr123=; no amino-acid change (threonine 123 retained).
Molecular consequence: synonymous variant.
Genome position (GRCh38, 1-based): chr19:47,839,436, G>A. VCF-style: chr19-47839436-G-A. GRCh37 (hg19) VCF-style: chr19-48342693-G-A.
Other names: c.369G>A (NM_000554.5).
Identifiers: ClinVar variation 1563743 (VCV001563743.12), dbSNP rs368752695, ClinGen allele CA9544478.
Genomic context (GRCh38, chr19:47,839,436, plus strand): 5'-GCAGCAGCAGCCCCCAGGGGGCCAGGCCAAGGCCCGGCCTGCCAAGAGGAAGGCGGGCAC[G>A]TCCCCAAGACCCTCCACAGATGTGTGTCCAGACCCTCTGGGCATCTCAGATTCCTACAGT-3'
Protein context (NP_000545.1, residues 113-133): KARPAKRKAG[Thr123=]SPRPSTDVCP